The following is an entry in ClinVar:

NM_000179.3(MSH6):c.2682G>C (p.Gln894His)

Gene: MSH6 (mutS homolog 6; plus strand). Cytogenetic location: 2p16.3.
Variant type: single nucleotide variant.
Coding change: c.2682G>C on transcript NM_000179.3 (MANE Select); coding-DNA position 2682, G replaced by C.
Protein change: p.Gln894His; replaces glutamine 894 with histidine.
Molecular consequence: missense variant. On other transcripts: non-coding transcript variant (5), intron variant (2), splice acceptor variant (1).
Genome position (GRCh38, 1-based): chr2:47,800,665, G>C. VCF-style: chr2-47800665-G-C. GRCh37 (hg19) VCF-style: chr2-48027804-G-C.
Other names: c.2308+374G>C (NM_001406803.1); c.1606+1076G>C (NM_001406817.1); c.628-1G>C (NM_001407362.1); c.2292G>C, p.Gln764His (NM_001281492.2); c.1776G>C, p.Gln592His (NM_001281493.2, NM_001281494.2, NM_001406811.1 and 6 more transcripts); c.2778G>C, p.Gln926His (NM_001406795.1, NM_001406802.1); c.2682G>C, p.Gln894His (NM_001406796.1, NM_001406798.1, NM_001406800.1 and 2 more transcripts); c.2385G>C, p.Gln795His (NM_001406797.1, NM_001406801.1, NM_001406805.1 and 10 more transcripts); and 4 more; short protein forms Q896H, Q764H, Q795H, Q719H, Q868H, Q592H, Q838H, Q894H.
Identifiers: ClinVar variation 3913738 (VCV003913738.1).

ClinVar aggregate classification (germline): Uncertain significance (1 of 4 stars; one submission).

Conditions:
Hereditary cancer-predisposing syndrome. Also called: Hereditary Cancer Syndrome; Hereditary neoplastic syndrome; Neoplastic Syndromes, Hereditary; Tumor predisposition. Identifiers: Orphanet 140162, MedGen C0027672, MeSH D009386, MONDO:0015356.

Submission:

Ambry Genetics
Classification: Uncertain significance for Hereditary cancer-predisposing syndrome. Last evaluated: 2025-04-02. Review status: criteria provided, single submitter. Criteria: Ambry Variant Classification Scheme 2023. Collection method: clinical testing. Allele origin: germline.
Comment: The p.Q894H variant (also known as c.2682G>C), located in coding exon 4 of the MSH6 gene, results from a G to C substitution at nucleotide position 2682. The glutamine at codon 894 is replaced by histidine, an amino acid with highly similar properties. This amino acid position is not well conserved in available vertebrate species. In addition, the in silico prediction for this alteration is inconclusive. Based on the available evidence, the clinical significance of this variant remains unclear.